The following is an entry in ClinVar:

ClinVar aggregate classification (germline): Pathogenic (1 of 4 stars; one submission).

Conditions:
Niemann-Pick disease, type C1. Also called: NEUROVISCERAL STORAGE DISEASE WITH VERTICAL SUPRANUCLEAR OPHTHALMOPLEGIA; NIEMANN-PICK DISEASE WITH CHOLESTEROL ESTERIFICATION BLOCK; NIEMANN-PICK DISEASE WITHOUT SPHINGOMYELINASE DEFICIENCY; NIEMANN-PICK DISEASE, CHRONIC NEURONOPATHIC FORM; NIEMANN-PICK DISEASE, VARIANT TYPE C1. Identifiers: Orphanet 646, MedGen C3179455, MONDO:0009757, OMIM 257220.

gnomAD v4.1: 1 of 1,612,952 alleles (0.000062%); highest among the groups gnomAD compares: Non-Finnish European, 0.000085%; no homozygotes.

Submission:

Labcorp Genetics (formerly Invitae), Labcorp
Classification: Pathogenic for Niemann-Pick disease, type C1. Last evaluated: 2025-10-09. Review status: criteria provided, single submitter. Criteria: Invitae Variant Classification Sherloc (09022015). Collection method: clinical testing. Allele origin: germline.
Comment: This sequence change replaces glycine, which is neutral and non-polar, with glutamic acid, which is acidic and polar, at codon 548 of the NPC1 protein (p.Gly548Glu). This variant is not present in population databases (gnomAD no frequency). This missense change has been observed in individual(s) with clinical features of Niemann-Pick disease type C (internal data). In at least one individual the data is consistent with being in trans (on the opposite chromosome) from a pathogenic variant. Invitae Evidence Modeling of protein sequence and biophysical properties (such as structural, functional, and spatial information, amino acid conservation, physicochemical variation, residue mobility, and thermodynamic stability) indicates that this missense variant is expected to disrupt NPC1 protein function with a positive predictive value of 95%. For these reasons, this variant has been classified as Pathogenic.

NM_000271.5(NPC1):c.1643G>A (p.Gly548Glu)

Gene: NPC1 (NPC intracellular cholesterol transporter 1; minus strand). Cytogenetic location: 18q11.2.
Variant type: single nucleotide variant.
Coding change: c.1643G>A on transcript NM_000271.5 (MANE Select); coding-DNA position 1643, G replaced by A.
Protein change: p.Gly548Glu; replaces glycine 548 with glutamic acid.
Molecular consequence: missense variant.
Genome position (GRCh38, 1-based): chr18:23,551,638, C>T on the plus strand (G>A on the coding strand, the complement: NPC1 is on the minus strand). VCF-style: chr18-23551638-C-T. GRCh37 (hg19) VCF-style: chr18-21131602-C-T.
Other names: short protein forms G548E.
Identifiers: ClinVar variation 4802998 (VCV004802998.1).